The following is an entry in ClinVar:

ClinVar aggregate classification (germline): Pathogenic. Review status: criteria provided, single submitter (1 of 4 stars). 3 submissions from 1 submitter: Pathogenic (3). Last evaluated 2023-05-08.

Conditions:
Episodic ataxia type 2 (EA2). Also called: ACETAZOLAMIDE-RESPONSIVE HEREDITARY PAROXYSMAL CEREBELLAR ATAXIA; EPISODIC ATAXIA, NYSTAGMUS-ASSOCIATED; ATAXIA, EPISODIC, WITH NYSTAGMUS; ATAXIA, FAMILIAL PAROXYSMAL; CEREBELLAR ATAXIA, PAROXYSMAL, ACETAZOLAMIDE-RESPONSIVE; CEREBELLOPATHY, HEREDITARY PAROXYSMAL. Identifiers: Orphanet 97, MedGen C1720416, MONDO:0007163, OMIM 108500.
Developmental and epileptic encephalopathy, 42 (DEE42A). Also called: DEVELOPMENTAL AND EPILEPTIC ENCEPHALOPATHY 42A; EPILEPTIC ENCEPHALOPATHY, EARLY INFANTILE, 42A; Epileptic encephalopathy, early infantile, 42. Identifiers: MedGen C4310716, MONDO:0014917, OMIM 617106.
Glutaric aciduria, type 1. Also called: Glutaricacidemia Type 1; Glutaric Acidemia Type 1; Glutaryl-CoA dehydrogenase deficiency; GA I; Glutaric acidemia type I; Glutaricaciduria, type I. Identifiers: Orphanet 25, MedGen C0268595, MONDO:0009281, OMIM 231670.
Aicardi-Goutieres syndrome 4. Identifiers: Orphanet 51, MedGen C1835912, MONDO:0012472, OMIM 610333.

Submissions (3):

Labcorp Genetics (formerly Invitae), Labcorp
Classification: Pathogenic for Glutaric aciduria, type 1. Last evaluated: 2023-05-08. Review status: criteria provided, single submitter. Criteria: Invitae Variant Classification Sherloc (09022015). Collection method: clinical testing. Allele origin: germline.
Comment: For these reasons, this variant has been classified as Pathogenic. This variant has not been reported in the literature in individuals affected with GCDH-related conditions. A gross deletion of the genomic region encompassing the full coding sequence of the GCDH gene has been identified. Loss-of-function variants in GCDH are known to be pathogenic (PMID: 10699052, 11854167, 16602100). The boundaries of this event are unknown as they extend beyond the assayed region for this gene and therefore may encompass additional genes.

Labcorp Genetics (formerly Invitae), Labcorp
Classification: Pathogenic for Aicardi-Goutieres syndrome 4. Last evaluated: 2023-05-08. Review status: criteria provided, single submitter. Criteria: Invitae Variant Classification Sherloc (09022015). Collection method: clinical testing. Allele origin: unknown.
Comment: For these reasons, this variant has been classified as Pathogenic. This variant has not been reported in the literature in individuals affected with RNASEH2A-related conditions. A gross deletion of the genomic region encompassing the full coding sequence of the RNASEH2A gene has been identified. Loss-of-function variants in RNASEH2A are known to be pathogenic (PMID: 21454563, 25274781). The boundaries of this event are unknown as they extend beyond the assayed region for this gene and therefore may encompass additional genes.

Labcorp Genetics (formerly Invitae), Labcorp
Classification: Pathogenic for Developmental and epileptic encephalopathy, 42; Episodic ataxia type 2. Last evaluated: 2022-05-17. Review status: criteria provided, single submitter. Criteria: Invitae Variant Classification Sherloc (09022015). Collection method: clinical testing. Allele origin: germline.
Comment: A gross deletion of the genomic region encompassing the full coding sequence of the CACNA1A gene has been identified. Loss-of-function variants in CACNA1A are known to be pathogenic (PMID: 10371528, 19486177, 25735478, 27250579). The boundaries of this event are unknown as they extend beyond the assayed region for this gene and therefore may encompass additional genes. This variant has not been reported in the literature in individuals affected with CACNA1A-related conditions. For these reasons, this variant has been classified as Pathogenic.

Literature cited by the submitters: PubMed 10699052; PubMed 11854167; PubMed 16602100; PubMed 21454563; PubMed 25274781; PubMed 10371528; PubMed 19486177; PubMed 25735478; PubMed 27250579.

NC_000019.9:g.(?_12757434)_(13617038_?)del

Genes: JUNB (JunB proto-oncogene, AP-1 transcription factor subunit; plus strand), KLF1 (KLF transcription factor 1; minus strand), LYL1 (LYL1 basic helix-loop-helix family member; minus strand), TRMT1 (tRNA methyltransferase 1; minus strand), WDR83 (WD repeat domain 83; plus strand) and 26 more. Cytogenetic location: 19p13.2.
Variant type: Deletion.
Identifiers: ClinVar variation 1457169 (VCV001457169.8).